The following is an entry in ClinVar:

ClinVar aggregate classification (germline): Likely benign (1 of 4 stars; one submission).

Conditions:
PLXNA3-related disorder. Also called: PLXNA3-related condition.

gnomAD v4.1: 1 of 1,208,997 alleles (0.000083%); no homozygotes.

Submission:

PreventionGenetics, part of Exact Sciences
Classification: Likely benign for PLXNA3-related condition. Last evaluated: 2025-04-16. Review status: criteria provided, single submitter. Criteria: ACMG Guidelines, 2015. Collection method: clinical testing. Allele origin: germline.
Comment: This variant is classified as likely benign based on ACMG/AMP sequence variant interpretation guidelines (Richards et al. 2015 PMID: 25741868, with internal and published modifications).

NM_017514.5(PLXNA3):c.4796-10T>C

Gene: PLXNA3 (plexin A3; plus strand). Cytogenetic location: Xq28.
Variant type: single nucleotide variant.
Coding change: c.4796-10T>C on transcript NM_017514.5 (MANE Select); 10 bases into the intron before coding-DNA position 4796, T replaced by C.
Molecular consequence: intron variant.
Genome position (GRCh38, 1-based): chrX:154,469,967, T>C. VCF-style: chrX-154469967-T-C. GRCh37 (hg19) VCF-style: chrX-153698310-T-C.
Identifiers: ClinVar variation 5001856 (VCV005001856.1).